The following is an entry in ClinVar:

ClinVar aggregate classification (germline): Uncertain significance (1 of 4 stars; one submission).

Conditions:
Duchenne muscular dystrophy (DMD). Also called: MUSCULAR DYSTROPHY, PSEUDOHYPERTROPHIC PROGRESSIVE, DUCHENNE TYPE; Duchenne Muscular Dystrophy (DMD). Identifiers: Orphanet 98896, MedGen C0013264, MONDO:0010679, OMIM 310200.

Submission:

Labcorp Genetics (formerly Invitae), Labcorp
Classification: Uncertain significance for Duchenne muscular dystrophy. Last evaluated: 2024-12-04. Review status: criteria provided, single submitter. Criteria: Invitae Variant Classification Sherloc (09022015). Collection method: clinical testing. Allele origin: germline.
Comment: This sequence change replaces leucine, which is neutral and non-polar, with histidine, which is basic and polar, at codon 2603 of the DMD protein (p.Leu2603His). This variant is not present in population databases (gnomAD no frequency). This variant has not been reported in the literature in individuals affected with DMD-related conditions. Invitae Evidence Modeling of protein sequence and biophysical properties (such as structural, functional, and spatial information, amino acid conservation, physicochemical variation, residue mobility, and thermodynamic stability) indicates that this missense variant is not expected to disrupt DMD protein function with a negative predictive value of 95%. In summary, the available evidence is currently insufficient to determine the role of this variant in disease. Therefore, it has been classified as a Variant of Uncertain Significance.

NM_004006.3(DMD):c.7808T>A (p.Leu2603His)

Gene: DMD (dystrophin; minus strand). Cytogenetic location: Xp21.1.
Variant type: single nucleotide variant.
Coding change: c.7808T>A on transcript NM_004006.3 (MANE Select); coding-DNA position 7808, T replaced by A.
Protein change: p.Leu2603His; replaces leucine 2603 with histidine.
Molecular consequence: missense variant.
Genome position (GRCh38, 1-based): chrX:31,679,439, A>T on the plus strand (T>A on the coding strand, the complement: DMD is on the minus strand). VCF-style: chrX-31679439-A-T. GRCh37 (hg19) VCF-style: chrX-31697556-A-T.
Other names: c.7784T>A, p.Leu2595His (NM_000109.4); c.7796T>A, p.Leu2599His (NM_004009.3); c.7439T>A, p.Leu2480His (NM_004010.3); c.3785T>A, p.Leu1262His (NM_004011.4); c.3776T>A, p.Leu1259His (NM_004012.4); c.428T>A, p.Leu143His (NM_004013.3, NM_004020.4, NM_004021.3 and 2 more transcripts); short protein forms L1262H, L2480H, L2603H, L2599H, L1259H, L143H, L2595H.
Identifiers: ClinVar variation 3634803 (VCV003634803.2).